The following is an entry in ClinVar:

NM_001754.5(RUNX1):c.891_904del (p.Pro298fs)

Gene: RUNX1 (RUNX family transcription factor 1; minus strand). Cytogenetic location: 21q22.12.
Variant type: Deletion.
Coding change: c.891_904del on transcript NM_001754.5 (MANE Select); coding-DNA positions 891 to 904, 14 bases deleted (CCCAGCAACGCCCA).
Protein change: p.Pro298fs; shifts the reading frame from proline 298.
Molecular consequence: frameshift variant.
Genome position (GRCh38, 1-based): chr21:34,799,364-34,799,377, TGGGCGTTGCTGGG deleted on the plus strand (CCCAGCAACGCCCA on the coding strand, the reverse complement: RUNX1 is on the minus strand); deleting any 14 consecutive bases within chr21:34,799,364-34,799,379 gives the same sequence; the c. name uses the placement nearest the transcript's 3' end. VCF-style (leftmost placement, unchanged base first): chr21-34799363-ATGGGCGTTGCTGGG-A. GRCh37 (hg19) VCF-style: chr21-36171660-ATGGGCGTTGCTGGG-A.
Other names: NM_001754.5(RUNX1):c.891_904del; p.Pro298fs; c.810_823del, p.Pro271fs (NM_001001890.3); short protein forms P271fs, P298fs.
Identifiers: ClinVar variation 2839740 (VCV002839740.5), dbSNP rs2516861944, ClinGen allele CA2739267612.

ClinVar aggregate classification (germline): Likely pathogenic. Review status: reviewed by expert panel (3 of 4 stars). 2 submissions from 2 submitters: Likely pathogenic (1). 1 of the submissions does not count toward it. Last evaluated 2026-10-05.

Conditions:
Hereditary thrombocytopenia and hematological cancer predisposition syndrome associated with RUNX1. Also called: PLATELET DISORDER, ASPIRIN-LIKE; Familial Platelet Disorder with Propensity to Acute Myelogenous Leukemia; Familial thrombocytopenia with propensity to acute myelogenous leukemia; RUNX1 Familial Platelet Disorder with Associated Myeloid Malignancies. Identifiers: Orphanet 71290, MedGen C1832388, MeSH C563324, MONDO:0100083, OMIM 601399.
Hereditary thrombocytopenia and hematologic cancer predisposition syndrome. Identifiers: Orphanet 71290, MedGen CN281654, MONDO:0011071.

Submissions (2):

ClinGen Myeloid Malignancy Variant Curation Expert Panel
Classification: Likely pathogenic for Hereditary thrombocytopenia and hematologic cancer predisposition syndrome. Last evaluated: 2026-10-05. Review status: reviewed by expert panel. Criteria: ClinGen MyeloMalig ACMG Specifications V3.1. Collection method: curation. Allele origin: germline. Inheritance: Autosomal dominant inheritance.
Comment: NM_001754.5(RUNX1):c.891_904del (p.Pro298Phefs*297) is a frameshift variant which is not predicted to undergo NMD (PVS1_Strong). This variant is downstream of c.98 (PM5_Supporting) and is completely absent from all population databases with at least 20x coverage for RUNX1 (PM2_Supporting). In summary, this variant meets criteria to be classified as likely pathogenic. ACMG/AMP criteria applied, as specified by the ClinGen Myeloid Malignancy Variant Curation Expert Panel for RUNX1: PVS1_Strong, PM5_Supporting, PM2_Supporting.

Labcorp Genetics (formerly Invitae), Labcorp
Classification: Pathogenic for Hereditary thrombocytopenia and hematological cancer predisposition syndrome associated with RUNX1. Last evaluated: 2023-02-22. Review status: criteria provided, single submitter. Criteria: Invitae Variant Classification Sherloc (09022015). Collection method: clinical testing. Allele origin: germline. Not counted in ClinVar's aggregate classification.
Comment: For these reasons, this variant has been classified as Pathogenic. This variant disrupts a region of the RUNX1 protein in which other variant(s) (p.Arg320*) have been determined to be pathogenic (PMID: 18723428, 25840971, 31064749, 32208489). This suggests that this is a clinically significant region of the protein, and that variants that disrupt it are likely to be disease-causing. This variant has not been reported in the literature in individuals affected with RUNX1-related conditions. This variant is not present in population databases (gnomAD no frequency). This sequence change results in a frameshift in the RUNX1 gene (p.Pro298Phefs*297). While this is not anticipated to result in nonsense mediated decay, it is expected to disrupt the last 183 amino acid(s) of the RUNX1 protein and extend the protein by 113 additional amino acid residues.

Literature cited by the submitters: PubMed 18723428 (cited by Labcorp Genetics (formerly Invitae), Labcorp); PubMed 25840971 (cited by Labcorp Genetics (formerly Invitae), Labcorp); PubMed 31064749 (cited by Labcorp Genetics (formerly Invitae), Labcorp); PubMed 32208489 (cited by Labcorp Genetics (formerly Invitae), Labcorp).